The following is an entry in ClinVar:

ClinVar aggregate classification (germline): Uncertain significance (1 of 4 stars; one submission).

Allele frequency attached by ClinVar (database versions not stated): gnomAD exomes below 0.00001.
gnomAD v4.1: 3 of 1,547,428 alleles (0.00019%); highest among the groups gnomAD compares: Middle Eastern, 0.017%; no homozygotes.

Submission:

Labcorp Genetics (formerly Invitae), Labcorp
Classification: Uncertain significance. Last evaluated: 2022-06-22. Review status: criteria provided, single submitter. Criteria: Invitae Variant Classification Sherloc (09022015). Collection method: clinical testing. Allele origin: germline.
Comment: This sequence change replaces proline, which is neutral and non-polar, with serine, which is neutral and polar, at codon 2977 of the ZNF469 protein (p.Pro2977Ser). This variant is not present in population databases (gnomAD no frequency). This variant has not been reported in the literature in individuals affected with ZNF469-related conditions. Algorithms developed to predict the effect of missense changes on protein structure and function output the following: SIFT: "Tolerated"; PolyPhen-2: "Possibly Damaging"; Align-GVGD: "Class C0". The serine amino acid residue is found in multiple mammalian species, which suggests that this missense change does not adversely affect protein function. In summary, the available evidence is currently insufficient to determine the role of this variant in disease. Therefore, it has been classified as a Variant of Uncertain Significance.

NM_001367624.2(ZNF469):c.9013C>T (p.Pro3005Ser)

Gene: ZNF469 (zinc finger protein 469; plus strand). Cytogenetic location: 16q24.2.
Variant type: single nucleotide variant.
Coding change: c.9013C>T on transcript NM_001367624.2 (MANE Select); coding-DNA position 9013, C replaced by T.
Protein change: p.Pro3005Ser; replaces proline 3005 with serine.
Molecular consequence: missense variant.
Genome position (GRCh38, 1-based): chr16:88,436,483, C>T. VCF-style: chr16-88436483-C-T. GRCh37 (hg19) VCF-style: chr16-88502891-C-T.
Other names: short protein forms P3005S.
Identifiers: ClinVar variation 1960844 (VCV001960844.2), dbSNP rs2507601704, ClinGen allele CA397120220.